The following is an entry in ClinVar:

NM_000426.4(LAMA2):c.8420G>A (p.Arg2807His)

Gene: LAMA2 (laminin subunit alpha 2; plus strand). Cytogenetic location: 6q22.33.
Variant type: single nucleotide variant.
Coding change: c.8420G>A on transcript NM_000426.4 (MANE Select); coding-DNA position 8420, G replaced by A.
Protein change: p.Arg2807His; replaces arginine 2807 with histidine.
Molecular consequence: missense variant.
Genome position (GRCh38, 1-based): chr6:129,503,153, G>A. VCF-style: chr6-129503153-G-A. GRCh37 (hg19) VCF-style: chr6-129824298-G-A.
Other names: c.8408G>A, p.Arg2803His (NM_001079823.2); short protein forms R2807H, R2803H.
Identifiers: ClinVar variation 2195082 (VCV002195082.1), dbSNP rs781097647, ClinGen allele CA3994832.

ClinVar aggregate classification (germline): Uncertain significance (1 of 4 stars; one submission).

Conditions:
LAMA2-related muscular dystrophy (LAMA2-RD). Also called: Laminin alpha 2-related dystrophy. Identifiers: MedGen C5679788, MONDO:0100228.

Allele frequency attached by ClinVar (database versions not stated): ExAC 0.00001.
gnomAD v4.1: 29 of 1,613,936 alleles (0.0018%); highest among the groups gnomAD compares: Middle Eastern, 0.016%; no homozygotes.

Submission:

Labcorp Genetics (formerly Invitae), Labcorp
Classification: Uncertain significance for LAMA2-related muscular dystrophy. Last evaluated: 2022-06-09. Review status: criteria provided, single submitter. Criteria: Invitae Variant Classification Sherloc (09022015). Collection method: clinical testing. Allele origin: germline.
Comment: This sequence change replaces arginine, which is basic and polar, with histidine, which is basic and polar, at codon 2807 of the LAMA2 protein (p.Arg2807His). This variant is present in population databases (rs781097647, gnomAD 0.003%). This variant has not been reported in the literature in individuals affected with LAMA2-related conditions. Advanced modeling of protein sequence and biophysical properties (such as structural, functional, and spatial information, amino acid conservation, physicochemical variation, residue mobility, and thermodynamic stability) performed at Invitae indicates that this missense variant is not expected to disrupt LAMA2 protein function. In summary, the available evidence is currently insufficient to determine the role of this variant in disease. Therefore, it has been classified as a Variant of Uncertain Significance.